The following is an entry in ClinVar:

ClinVar aggregate classification (germline): Uncertain significance (1 of 4 stars; one submission).

Conditions:
Alpha thalassemia-X-linked intellectual disability syndrome (ATRX). Also called: ALPHA-THALASSEMIA/MENTAL RETARDATION SYNDROME, X-LINKED; ATR, NONDELETION TYPE; ATR-X syndrome; Alpha thalassemia mental retardation syndrome, nondeletion type, X-linked; XLMR hypotonic face syndrome; X-linked alpha-thalassemia-mental retardation syndrome. Identifiers: Orphanet 847, MedGen C1845055, MONDO:0010519, OMIM 301040.

Submission:

Labcorp Genetics (formerly Invitae), Labcorp
Classification: Uncertain significance for Alpha thalassemia-X-linked intellectual disability syndrome. Last evaluated: 2025-05-30. Review status: criteria provided, single submitter. Criteria: Invitae Variant Classification Sherloc (09022015). Collection method: clinical testing. Allele origin: germline.
Comment: This sequence change replaces arginine, which is basic and polar, with serine, which is neutral and polar, at codon 1137 of the ATRX protein (p.Arg1137Ser). This variant is not present in population databases (gnomAD no frequency). This variant has not been reported in the literature in individuals affected with ATRX-related conditions. Invitae Evidence Modeling of protein sequence and biophysical properties (such as structural, functional, and spatial information, amino acid conservation, physicochemical variation, residue mobility, and thermodynamic stability) indicates that this missense variant is not expected to disrupt ATRX protein function with a negative predictive value of 95%. In summary, the available evidence is currently insufficient to determine the role of this variant in disease. Therefore, it has been classified as a Variant of Uncertain Significance.

NM_000489.6(ATRX):c.3411A>C (p.Arg1137Ser)

Gene: ATRX (ATRX chromatin remodeler; minus strand). Cytogenetic location: Xq21.1.
Variant type: single nucleotide variant.
Coding change: c.3411A>C on transcript NM_000489.6 (MANE Select); coding-DNA position 3411, A replaced by C.
Protein change: p.Arg1137Ser; replaces arginine 1137 with serine.
Molecular consequence: missense variant.
Genome position (GRCh38, 1-based): chrX:77,681,845, T>G on the plus strand (A>C on the coding strand, the complement: ATRX is on the minus strand). VCF-style: chrX-77681845-T-G. GRCh37 (hg19) VCF-style: chrX-76937337-T-G.
Other names: c.3297A>C, p.Arg1099Ser (NM_138270.5); short protein forms R1099S, R1137S.
Identifiers: ClinVar variation 4801106 (VCV004801106.1).